The following is an entry in ClinVar:

NM_000277.3(PAH):c.791A>T (p.His264Leu)

Gene: PAH (phenylalanine hydroxylase; minus strand). Cytogenetic location: 12q23.2.
Variant type: single nucleotide variant.
Coding change: c.791A>T on transcript NM_000277.3 (MANE Select); coding-DNA position 791, A replaced by T.
Protein change: p.His264Leu; replaces histidine 264 with leucine.
Molecular consequence: missense variant.
Genome position (GRCh38, 1-based): chr12:102,852,866, T>A on the plus strand (A>T on the coding strand, the complement: PAH is on the minus strand). VCF-style: chr12-102852866-T-A. GRCh37 (hg19) VCF-style: chr12-103246644-T-A.
Other names: NM_000277.2(PAH):c.791A>T; c.791A>T, p.His264Leu (NM_001354304.2); short protein forms H264L.
Identifiers: ClinVar variation 102834 (VCV000102834.2), dbSNP rs199475580, ClinGen allele CA229761.

ClinVar aggregate classification (germline): Uncertain significance. Review status: reviewed by expert panel (3 of 4 stars). 2 submissions from 2 submitters: Uncertain significance (1). 1 of the submissions does not count toward it. Last evaluated 2018-12-10.

Conditions:
Phenylketonuria (PKU). Also called: Phenylketonuria (PKU); FOLLING DISEASE; OLIGOPHRENIA PHENYLPYRUVICA; Phenylketonurias. Identifiers: Orphanet 716, MedGen C0031485, MONDO:0009861, OMIM 261600. Disease mechanism: loss of function.

Submissions (2):

ClinGen PAH Variant Curation Expert Panel
Classification: Uncertain significance for Phenylketonuria. Last evaluated: 2018-12-10. Review status: reviewed by expert panel. Criteria: ClinGen PAH ACMG Specifications v1. Collection method: curation. Allele origin: germline. Inheritance: Autosomal recessive inheritance.
Comment: The c.791A>T (p.His264Leu) variant in PAH has not been reported in the literature, to our knowledge. References in BioPKU/PAHdb (Cardoso 2001) cannot be located. This variant is absent from ExAC, GnomAD, 1000G, and ESP. It is predicted deleterious in SIFT, Polyphen2, MutationTaster, and REVEL=0.949. The H264 residue interacts directly with the BH4 cofactor. (PMID: 12126628). In summary, this variant meets criteria to be classified as uncertain significance for PAH. PAH-specific ACMG/AMP criteria applied: PM1, PM2, PP3.

DeBelle Laboratory for Biochemical Genetics, MUHC/MCH RESEARCH INSTITUTE
No classification provided. Review status: no classification provided. Collection method: not provided. Allele origin: not provided. Not counted in ClinVar's aggregate classification.

Literature cited by the submitters: PubMed 12126628 (cited by ClinGen PAH Variant Curation Expert Panel); PubMed 11999982 (cited by ClinGen PAH Variant Curation Expert Panel).